The following is an entry in ClinVar:

ClinVar aggregate classification (germline): Uncertain significance (1 of 4 stars; one submission).

Conditions:
Hereditary cancer-predisposing syndrome. Also called: Hereditary Cancer Syndrome; Hereditary neoplastic syndrome; Neoplastic Syndromes, Hereditary; Tumor predisposition. Identifiers: Orphanet 140162, MedGen C0027672, MeSH D009386, MONDO:0015356.

Submission:

Ambry Genetics
Classification: Uncertain significance for Hereditary cancer-predisposing syndrome. Last evaluated: 2022-10-31. Review status: criteria provided, single submitter. Criteria: Ambry Variant Classification Scheme 2023. Collection method: clinical testing. Allele origin: germline.
Comment: The p.E446Q variant (also known as c.1336G>C), located in coding exon 12 of the TSC1 gene, results from a G to C substitution at nucleotide position 1336. The glutamic acid at codon 446 is replaced by glutamine, an amino acid with highly similar properties. This amino acid position is well conserved in available vertebrate species. In addition, this alteration is predicted to be tolerated by in silico analysis. Since supporting evidence is limited at this time, the clinical significance of this alteration remains unclear.

NM_000368.5(TSC1):c.1336G>C (p.Glu446Gln)

Gene: TSC1 (TSC complex subunit 1; minus strand). Cytogenetic location: 9q34.13.
Variant type: single nucleotide variant.
Coding change: c.1336G>C on transcript NM_000368.5 (MANE Select); coding-DNA position 1336, G replaced by C.
Protein change: p.Glu446Gln; replaces glutamic acid 446 with glutamine.
Molecular consequence: missense variant.
Genome position (GRCh38, 1-based): chr9:132,906,833, C>G on the plus strand (G>C on the coding strand, the complement: TSC1 is on the minus strand). VCF-style: chr9-132906833-C-G. GRCh37 (hg19) VCF-style: chr9-135782220-C-G.
Other names: c.1333G>C, p.Glu445Gln (NM_001162426.2, NM_001406597.1, NM_001406598.1 and 6 more transcripts); c.1183G>C, p.Glu395Gln (NM_001162427.2, NM_001406610.1); c.973G>C, p.Glu325Gln (NM_001362177.2, NM_001406614.1, NM_001406615.1 and 5 more transcripts); c.1336G>C, p.Glu446Gln (NM_001406592.1, NM_001406593.1, NM_001406594.1 and 7 more transcripts); c.1180G>C, p.Glu394Gln (NM_001406611.1, NM_001406612.1, NM_001406613.1); c.970G>C, p.Glu324Gln (NM_001406620.1, NM_001406621.1, NM_001406622.1 and 2 more transcripts); c.385G>C, p.Glu129Gln (NM_001406626.1); c.382G>C, p.Glu128Gln (NM_001406627.1, NM_001406628.1); and 1 more; short protein forms E95Q, E395Q, E446Q, E128Q, E325Q, E445Q, E129Q, E324Q.
Identifiers: ClinVar variation 1770249 (VCV001770249.3), dbSNP rs1845700817, ClinGen allele CA375366057.